The following is an entry in ClinVar:

ClinVar aggregate classification (germline): Pathogenic (1 of 4 stars; one submission).

Conditions:
DICER1-related tumor predisposition. Also called: DICER1-related pleuropulmonary blastoma cancer predisposition syndrome; DICER1 syndrome. Identifiers: Orphanet 284343, MedGen C3839822, MONDO:0100216.

Submission:

Labcorp Genetics (formerly Invitae), Labcorp
Classification: Pathogenic for DICER1-related tumor predisposition. Last evaluated: 2023-07-26. Review status: criteria provided, single submitter. Criteria: Invitae Variant Classification Sherloc (09022015). Collection method: clinical testing. Allele origin: germline.
Comment: This variant has not been reported in the literature in individuals affected with DICER1-related conditions. This sequence change creates a premature translational stop signal (p.Cys284*) in the DICER1 gene. It is expected to result in an absent or disrupted protein product. Loss-of-function variants in DICER1 are known to be pathogenic (PMID: 19556464, 21266384). This variant is not present in population databases (gnomAD no frequency). For these reasons, this variant has been classified as Pathogenic.

Literature cited by the submitters: PubMed 19556464; PubMed 21266384.

NM_177438.3(DICER1):c.851_852del (p.Asp283_Cys284insTer)

Gene: DICER1 (dicer 1, ribonuclease III; minus strand). Cytogenetic location: 14q32.13.
Variant type: Deletion.
Coding change: c.851_852del on transcript NM_177438.3 (MANE Select); coding-DNA positions 851 to 852, 2 bases deleted (GT; older notation c.851_852delGT).
Protein change: p.Asp283_Cys284insTer.
Molecular consequence: nonsense. On other transcripts: frameshift variant (1), 5 prime UTR variant (1), non-coding transcript variant (6).
Genome position (GRCh38, 1-based): chr14:95,126,631-95,126,632, AC deleted on the plus strand (GT on the coding strand, the reverse complement: DICER1 is on the minus strand); deleting any 2 consecutive bases within chr14:95,126,631-95,126,633 gives the same sequence; the c. name uses the placement nearest the transcript's 3' end. VCF-style (leftmost placement, unchanged base first): chr14-95126630-TAC-T. GRCh37 (hg19) VCF-style: chr14-95592967-TAC-T.
Other names: c.851_852del, p.Asp283_Cys284insTer (NM_001291628.2, NM_001395677.1, NM_001395678.1 and 14 more transcripts); c.850_851delTG, p.Cys284Terfs (NM_001395681.1); c.569_570del, p.Asp189_Cys190insTer (NM_001395686.1); c.446_447del, p.Asp148_Cys149insTer (NM_001395687.1, NM_001395688.1, NM_001395689.1 and 3 more transcripts); c.284_285del, p.Asp94_Cys95insTer (NM_001395691.1); c.-718_-717del (NM_001395697.1).
Identifiers: ClinVar variation 2837351 (VCV002837351.3), dbSNP rs2543228908, ClinGen allele CA2739270822.